The following is an entry in ClinVar:

NM_000238.4(KCNH2):c.2576C>T (p.Thr859Ile)

Gene: KCNH2 (potassium voltage-gated channel subfamily H member 2; minus strand). Cytogenetic location: 7q36.1.
Variant type: single nucleotide variant.
Coding change: c.2576C>T on transcript NM_000238.4 (MANE Select); coding-DNA position 2576, C replaced by T.
Protein change: p.Thr859Ile; replaces threonine 859 with isoleucine.
Molecular consequence: missense variant. On other transcripts: non-coding transcript variant (2).
Genome position (GRCh38, 1-based): chr7:150,948,872, G>A on the plus strand (C>T on the coding strand, the complement: KCNH2 is on the minus strand). VCF-style: chr7-150948872-G-A. GRCh37 (hg19) VCF-style: chr7-150645960-G-A.
Other names: p.T859I:ACC>ATC; c.2288C>T, p.Thr763Ile (NM_001406753.1); c.1556C>T, p.Thr519Ile (NM_172057.3); short protein forms T519I, T859I, T763I.
Identifiers: ClinVar variation 200469 (VCV000200469.6), dbSNP rs794728396, ClinGen allele CA006952.

ClinVar aggregate classification (germline): Uncertain significance (1 of 4 stars; one submission).

Submission:

GeneDx
Classification: Uncertain significance. Last evaluated: 2019-12-31. Review status: criteria provided, single submitter. Criteria: GeneDx Variant Classification Process June 2021. Collection method: clinical testing. Allele origin: germline. Affected: yes.
Comment: Not observed in large population cohorts (Lek et al., 2016); In silico analysis, which includes protein predictors and evolutionary conservation, supports a deleterious effect; Has not been previously published as pathogenic or benign to our knowledge